The following is an entry in ClinVar:

ClinVar aggregate classification (germline): Uncertain significance. Review status: criteria provided, multiple submitters, no conflicts (2 of 4 stars). 2 submissions from 2 submitters: Uncertain significance (2). Last evaluated 2026-07-09.

Conditions:
Hereditary cancer-predisposing syndrome. Also called: Hereditary Cancer Syndrome; Tumor predisposition; Hereditary neoplastic syndrome; Neoplastic Syndromes, Hereditary. Identifiers: Orphanet 140162, MedGen C0027672, MeSH D009386, MONDO:0015356.
Gorlin syndrome. Also called: Nevoid Basal Cell Carcinoma Syndrome; Basal cell nevus syndrome. Identifiers: Orphanet 377, MedGen C0004779, MONDO:0007187.

Submissions (2):

Ambry Genetics
Classification: Uncertain significance for Hereditary cancer-predisposing syndrome. Last evaluated: 2026-07-09. Review status: criteria provided, single submitter. Criteria: Ambry Variant Classification Scheme 2023. Collection method: clinical testing. Allele origin: germline.
Comment: The p.F1104L variant (also known as c.3312T>A), located in coding exon 20 of the PTCH1 gene, results from a T to A substitution at nucleotide position 3312. The phenylalanine at codon 1104 is replaced by leucine, an amino acid with highly similar properties. This amino acid position is conserved. In addition, this alteration is predicted to be deleterious by in silico analysis. Based on the available evidence, the clinical significance of this variant remains unclear.

Mayo Clinic Laboratories, Mayo Clinic
Classification: Uncertain significance for Basal cell nevus syndrome 1. Last evaluated: 2017-01-27. Review status: criteria provided, single submitter. Criteria: ACMG Guidelines, 2015. Collection method: clinical testing. Allele origin: paternal.

NM_000264.5(PTCH1):c.3312T>A (p.Phe1104Leu)

Gene: PTCH1 (patched 1; minus strand). Cytogenetic location: 9q22.32.
Variant type: single nucleotide variant.
Coding change: c.3312T>A on transcript NM_000264.5 (MANE Select); coding-DNA position 3312, T replaced by A.
Protein change: p.Phe1104Leu; replaces phenylalanine 1104 with leucine.
Molecular consequence: missense variant. On other transcripts: non-coding transcript variant (1).
Genome position (GRCh38, 1-based): chr9:95,453,615, A>T on the plus strand (T>A on the coding strand, the complement: PTCH1 is on the minus strand). VCF-style: chr9-95453615-A-T. GRCh37 (hg19) VCF-style: chr9-98215897-A-T.
Other names: c.3114T>A, p.Phe1038Leu (NM_001083602.3); c.3309T>A, p.Phe1103Leu (NM_001083603.3); c.2859T>A, p.Phe953Leu (NM_001083604.3, NM_001083605.3, NM_001083606.3 and 1 more transcripts); c.3156T>A, p.Phe1052Leu (NM_001354918.2); short protein forms F1038L, F1104L, F1052L, F1103L, F953L.
Identifiers: ClinVar variation 547923 (VCV000547923.6), dbSNP rs1554690489, ClinGen allele CA374111924.